The following is an entry in ClinVar:

ClinVar aggregate classification (germline): Benign/Likely benign. Review status: criteria provided, multiple submitters, no conflicts (2 of 4 stars). 13 submissions from 13 submitters: Benign (2); Likely benign (9). 2 of the submissions do not count toward it. Last evaluated 2025-10-31.

Conditions:
MSH6-related disorder. Also called: MSH6-related condition; MSH6-Related disorders.
Breast and/or ovarian cancer. Identifiers: MedGen CN221562.
Hereditary nonpolyposis colorectal neoplasms. Identifiers: MedGen C0009405, MeSH D003123.
Hereditary cancer-predisposing syndrome. Also called: Tumor predisposition; Hereditary Cancer Syndrome; Hereditary neoplastic syndrome; Neoplastic Syndromes, Hereditary. Identifiers: Orphanet 140162, MedGen C0027672, MeSH D009386, MONDO:0015356.
Lynch syndrome. Identifiers: Orphanet 144, MedGen C4552100, MONDO:0005835. Disease mechanism: loss of function.
Lynch syndrome 5 (LYNCH5). Also called: Colorectal cancer, hereditary nonpolyposis, type 5; Hereditary non-polyposis colorectal cancer, type 5. Identifiers: Orphanet 144, MedGen C1833477, MONDO:0013710, OMIM 614350. Disease mechanism: loss of function.

Allele frequency attached by ClinVar (database versions not stated): ExAC 0.00001; gnomAD exomes 0.00001; gnomAD 0.00002; TOPMed 0.00002.
gnomAD v4.1: 24 of 1,614,106 alleles (0.0015%); highest among the groups gnomAD compares: Non-Finnish European, 0.002%; no homozygotes.

Submissions (13):

Labcorp Genetics (formerly Invitae), Labcorp
Classification: Likely benign for Hereditary nonpolyposis colorectal neoplasms. Last evaluated: 2025-10-31. Review status: criteria provided, single submitter. Criteria: Invitae Variant Classification Sherloc (09022015). Collection method: clinical testing. Allele origin: germline.

Center for Genomic Medicine, Rigshospitalet, Copenhagen University Hospital
Classification: Likely benign. Last evaluated: 2025-03-04. Review status: criteria provided, single submitter. Criteria: ACMG Guidelines, 2015. Collection method: clinical testing. Allele origin: germline.

All of Us Research Program, National Institutes of Health
Classification: Likely benign for Lynch syndrome. Last evaluated: 2023-08-15. Review status: criteria provided, single submitter. Criteria: ACMG Guidelines, 2015. Collection method: clinical testing. Allele origin: germline. Inheritance: Autosomal dominant inheritance. Observed: 4 variant alleles, 4 heterozygotes.
Comment: This study involves interpretation of variants in research participants for the purpose of population health screening. Participant phenotype was not available at the time of variant classification. Additional details can be found in publication PMID: 35346344, PMCID: PMC8962531

Myriad Genetics, Inc.
Classification: Benign for Lynch syndrome 5. Last evaluated: 2023-03-28. Review status: criteria provided, single submitter. Criteria: Myriad Autosomal Dominant, Autosomal Recessive and X-Linked Classification Criteria (2023). Collection method: clinical testing. Allele origin: unknown.
Comment: This variant is considered benign. This variant is a silent/synonymous amino acid change and it is not expected to impact splicing.

Quest Diagnostics Nichols Institute San Juan Capistrano
Classification: Likely benign. Last evaluated: 2022-11-04. Review status: criteria provided, single submitter. Criteria: Quest Diagnostics criteria. Collection method: clinical testing. Allele origin: unknown.

CHEO Genetics Diagnostic Laboratory, Children's Hospital of Eastern Ontario
Classification: Likely benign for Breast and/or ovarian cancer. Last evaluated: 2022-08-25. Review status: criteria provided, single submitter. Criteria: ACMG Guidelines, 2015. Collection method: clinical testing. Allele origin: germline.

Sema4
Classification: Likely benign for Hereditary cancer-predisposing syndrome. Last evaluated: 2021-09-15. Review status: criteria provided, single submitter. Criteria: Sema4 Curation Guidelines. Collection method: curation. Allele origin: germline.

Department of Pathology and Laboratory Medicine, Sinai Health System
Classification: Likely benign for Lynch syndrome. Last evaluated: 2019-12-17. Review status: criteria provided, single submitter. Criteria: ACMG Guidelines, 2015. Collection method: clinical testing. Allele origin: germline. Affected: yes.

Color Diagnostics, LLC DBA Color Health
Classification: Likely benign for Hereditary cancer-predisposing syndrome. Last evaluated: 2017-08-21. Review status: criteria provided, single submitter. Criteria: ACMG Guidelines, 2015. Collection method: clinical testing. Allele origin: germline.

Ambry Genetics
Classification: Likely benign for Hereditary cancer-predisposing syndrome. Last evaluated: 2014-10-02. Review status: criteria provided, single submitter. Criteria: Ambry Variant Classification Scheme 2023. Collection method: clinical testing. Allele origin: germline.

GeneDx
Classification: Benign. Last evaluated: 2014-09-07. Review status: criteria provided, single submitter. Criteria: GeneDx Variant Classification (06012015). Collection method: clinical testing. Allele origin: germline. Affected: yes.
Comment: This variant is considered likely benign or benign based on one or more of the following criteria: it is a conservative change, it occurs at a poorly conserved position in the protein, it is predicted to be benign by multiple in silico algorithms, and/or has population frequency not consistent with disease.

PreventionGenetics, part of Exact Sciences
Classification: Likely benign for MSH6-related condition. Last evaluated: 2019-03-12. Review status: no assertion criteria provided. Collection method: clinical testing. Allele origin: germline. Not counted in ClinVar's aggregate classification.
Comment: This variant is classified as likely benign based on ACMG/AMP sequence variant interpretation guidelines (Richards et al. 2015 PMID: 25741868, with internal and published modifications).

Counsyl
Classification: Likely benign for Lynch syndrome 5. Last evaluated: 2015-12-18. Review status: no assertion criteria provided. Collection method: clinical testing. Allele origin: unknown. Not counted in ClinVar's aggregate classification.

NM_000179.3(MSH6):c.321T>C (p.Pro107=)

Gene: MSH6 (mutS homolog 6; plus strand). Cytogenetic location: 2p16.3.
Variant type: single nucleotide variant.
Coding change: c.321T>C on transcript NM_000179.3 (MANE Select); coding-DNA position 321, T replaced by C.
Protein change: p.Pro107=; no amino-acid change (proline 107 retained).
Molecular consequence: synonymous variant. On other transcripts: 5 prime UTR variant (2), intron variant (1).
Genome position (GRCh38, 1-based): chr2:47,790,987, T>C. VCF-style: chr2-47790987-T-C. GRCh37 (hg19) VCF-style: chr2-48018126-T-C.
Other names: p.P107P:CCT>CCC; c.-416T>C (NM_001281493.2); c.-582T>C (NM_001281494.2); c.237+7517T>C (NM_001281492.2).
Identifiers: ClinVar variation 182676 (VCV000182676.35), dbSNP rs730881823, ClinGen allele CA012024.